The following is an entry in ClinVar:

NM_058195.4(CDKN2A):c.1A>G (p.Met1Val)

Gene: CDKN2A (cyclin dependent kinase inhibitor 2A; minus strand). Cytogenetic location: 9p21.3.
Variant type: single nucleotide variant.
Coding change: c.1A>G on transcript NM_058195.4 (MANE Plus Clinical); coding-DNA position 1, A replaced by G.
Protein change: p.Met1Val; changes the start codon (methionine 1).
Molecular consequence: missense variant, initiator codon variant. On other transcripts: intron variant (1).
Genome position (GRCh38, 1-based): chr9:21,994,331, T>C on the plus strand (A>G on the coding strand, the complement: CDKN2A is on the minus strand). VCF-style: chr9-21994331-T-C. GRCh37 (hg19) VCF-style: chr9-21994330-T-C.
Other names: c.-4+490A>G (NM_001363763.2); short protein forms M1V.
Identifiers: ClinVar variation 847017 (VCV000847017.9), dbSNP rs1820538394, ClinGen allele CA373087139.

ClinVar aggregate classification (germline): Conflicting classifications of pathogenicity. Review status: criteria provided, conflicting classifications (1 of 4 stars). 3 submissions from 3 submitters: Pathogenic (1); Uncertain significance (2). Last evaluated 2025-08-13.

Conditions:
Familial melanoma. Also called: Hereditary melanoma; Hereditary cutaneous melanoma. Identifiers: Orphanet 618, MedGen C1512419, MONDO:0018961.
Hereditary cancer-predisposing syndrome. Also called: Tumor predisposition; Neoplastic Syndromes, Hereditary; Hereditary Cancer Syndrome; Hereditary neoplastic syndrome. Identifiers: Orphanet 140162, MedGen C0027672, MeSH D009386, MONDO:0015356.
Melanoma-pancreatic cancer syndrome. Identifiers: Orphanet 404560, MedGen C1838547, MONDO:0011713, OMIM 606719. Disease mechanism: loss of function.

Submissions (3):

Myriad Genetics, Inc.
Classification: Pathogenic for Melanoma-pancreatic cancer syndrome. Last evaluated: 2025-08-13. Review status: criteria provided, single submitter. Criteria: Myriad Autosomal Dominant, Autosomal Recessive and X-Linked Classification Criteria (2023). Collection method: clinical testing. Allele origin: unknown.
Comment: This variant is considered pathogenic. This variant is located within the gene translation start codon (p.Met1?) and is predicted to result in abnormal protein translation.

Ambry Genetics
Classification: Uncertain significance for Hereditary cancer-predisposing syndrome. Last evaluated: 2024-06-18. Review status: criteria provided, single submitter. Criteria: Ambry Variant Classification Scheme 2023. Collection method: clinical testing. Allele origin: germline.
Comment: The p.M1? variant (also known as c.1A>G) is located in coding exon 1 of the CDKN2A (p14ARF) gene and results from an A to G substitution at nucleotide position one. This variant alters the methionine residue at the initiation codon (ATG). Variations that modify the initiation codon (ATG) are expected to result in either loss of translation initiation, N-terminal truncation, or cause a shift in the mRNA reading frame. However, loss of function has not been established as a mechanism of disease for the p14 isoform of CDKN2A. Based on the available evidence, the clinical significance of this variant remains unclear.

Labcorp Genetics (formerly Invitae), Labcorp
Classification: Uncertain significance for Familial melanoma. Last evaluated: 2021-07-14. Review status: criteria provided, single submitter. Criteria: Invitae Variant Classification Sherloc (09022015). Collection method: clinical testing. Allele origin: germline.